The following is an entry in ClinVar:

NM_013391.3(DMGDH):c.101+143A>T

Gene: DMGDH (dimethylglycine dehydrogenase; minus strand). Cytogenetic location: 5q14.1.
Variant type: single nucleotide variant.
Coding change: c.101+143A>T on transcript NM_013391.3 (MANE Select); 143 bases into the intron after coding-DNA position 101, A replaced by T.
Molecular consequence: intron variant.
Genome position (GRCh38, 1-based): chr5:79,069,377, T>A on the plus strand (A>T on the coding strand, the complement: DMGDH is on the minus strand). VCF-style: chr5-79069377-T-A. GRCh37 (hg19) VCF-style: chr5-78365200-T-A.
Identifiers: ClinVar variation 1691193 (VCV001691193.3), dbSNP rs57640773, ClinGen allele CA121126441.

ClinVar aggregate classification (germline): Likely benign. Review status: criteria provided, multiple submitters, no conflicts (2 of 4 stars). 2 submissions from 2 submitters: Likely benign (2). Last evaluated 2021-12-01.

Allele frequency attached by ClinVar (database versions not stated): gnomAD 0.01297 and 0.01369; TOPMed 0.01479; 1000 Genomes Project 30x 0.01765; 1000 Genomes Project 0.01837.
gnomAD v4.1: 2,663 of 426,824 alleles (0.62%); highest among the groups gnomAD compares: African/African-American, 4.1%; 41 homozygotes.

Submissions (2):

GeneDx
Classification: Likely benign. Last evaluated: 2021-12-01. Review status: criteria provided, single submitter. Criteria: GeneDx Variant Classification Process June 2021. Collection method: clinical testing. Allele origin: germline. Affected: yes.
Comment: See Variant Classification Assertion Criteria.

Breakthrough Genomics
Classification: Likely benign. Review status: criteria provided, single submitter. Criteria: ACMG Guidelines, 2015. Collection method: not provided. Allele origin: germline. Inheritance: Autosomal recessive inheritance. Affected: yes.